The following is an entry in ClinVar:

ClinVar aggregate classification (germline): Uncertain significance (1 of 4 stars; one submission).

Submission:

Labcorp Genetics (formerly Invitae), Labcorp
Classification: Uncertain significance. Last evaluated: 2022-09-27. Review status: criteria provided, single submitter. Criteria: Invitae Variant Classification Sherloc (09022015). Collection method: clinical testing. Allele origin: germline.
Comment: This sequence change replaces threonine, which is neutral and polar, with alanine, which is neutral and non-polar, at codon 1988 of the MYO7A protein (p.Thr1988Ala). This variant is not present in population databases (gnomAD no frequency). This variant has not been reported in the literature in individuals affected with MYO7A-related conditions. ClinVar contains an entry for this variant (Variation ID: 1525318). Advanced modeling of protein sequence and biophysical properties (such as structural, functional, and spatial information, amino acid conservation, physicochemical variation, residue mobility, and thermodynamic stability) performed at Invitae indicates that this missense variant is not expected to disrupt MYO7A protein function. In summary, the available evidence is currently insufficient to determine the role of this variant in disease. Therefore, it has been classified as a Variant of Uncertain Significance.

NM_000260.4(MYO7A):c.5962A>G (p.Thr1988Ala)

Gene: MYO7A (myosin VIIA; plus strand). Cytogenetic location: 11q13.5.
Variant type: single nucleotide variant.
Coding change: c.5962A>G on transcript NM_000260.4 (MANE Select); coding-DNA position 5962, A replaced by G.
Protein change: p.Thr1988Ala; replaces threonine 1988 with alanine.
Molecular consequence: missense variant.
Genome position (GRCh38, 1-based): chr11:77,208,714, A>G. VCF-style: chr11-77208714-A-G. GRCh37 (hg19) VCF-style: chr11-76919759-A-G.
Other names: c.5848A>G, p.Thr1950Ala (NM_001127180.2); c.5815A>G, p.Thr1939Ala (NM_001369365.1); short protein forms T1950A, T1988A, T1939A.
Identifiers: ClinVar variation 1525318 (VCV001525318.6), dbSNP rs1957641934, ClinGen allele CA381934089.
Genomic context (GRCh38, chr11:77,208,714, plus strand): 5'-CTGTGCAGGGACCCTCTGGGTGACCGACTGCCCTGTGCTGCAGGAATTGTGCCCTCACTC[A>G]CCTACCAGGTGTTCTTCATGAAGAAGCTGTGGACCACCACGGTGCCAGGGAAGGATCCCA-3'
Protein context (NP_000251.3, residues 1978-1998): PIKDGIVPSL[Thr1988Ala]YQVFFMKKLW